The following is an entry in ClinVar:

ClinVar aggregate classification (germline): Likely benign (1 of 4 stars; one submission).

Allele frequency attached by ClinVar (database versions not stated): 1000 Genomes Project 30x 0.00078; gnomAD 0.00352; gnomAD exomes 0.00405.
gnomAD v4.1: 3,246 of 806,376 alleles (0.4%); highest among the groups gnomAD compares: Non-Finnish European, 0.41%; 9 homozygotes.

Submission:

CeGaT Center for Human Genetics Tuebingen
Classification: Likely benign. Last evaluated: 2026-09-01. Review status: criteria provided, single submitter. Criteria: CeGaT Center For Human Genetics Tuebingen Variant Classification Criteria Version 2. Collection method: clinical testing. Allele origin: germline. Affected: yes. Observed: 13 variant alleles.
Comment: TAF4: BP4, BP7, BS2

NM_003185.4(TAF4):c.912G>A (p.Gln304=)

Gene: TAF4 (TATA-box binding protein associated factor 4; minus strand). Cytogenetic location: 20q13.33.
Variant type: single nucleotide variant.
Coding change: c.912G>A on transcript NM_003185.4 (MANE Select); coding-DNA position 912, G replaced by A.
Protein change: p.Gln304=; no amino-acid change (glutamine 304 retained).
Molecular consequence: synonymous variant.
Genome position (GRCh38, 1-based): chr20:62,064,899, C>T on the plus strand (G>A on the coding strand, the complement: TAF4 is on the minus strand). VCF-style: chr20-62064899-C-T. GRCh37 (hg19) VCF-style: chr20-60639955-C-T.
Identifiers: ClinVar variation 2652465 (VCV002652465.24), dbSNP rs868790311, ClinGen allele CA317215061.